The following is an entry in ClinVar:

ClinVar aggregate classification (germline): Likely benign (0 of 4 stars; one submission).

Conditions:
CLDN19-related disorder. Also called: CLDN19-related condition.

Allele frequency attached by ClinVar (database versions not stated): gnomAD 0.00001; gnomAD exomes 0.00001; TOPMed 0.00002; ExAC 0.00003; ESP Exome Variant Server 0.00008.
gnomAD v4.1: 22 of 1,575,292 alleles (0.0014%); highest among the groups gnomAD compares: African/African-American, 0.0027%; no homozygotes.

Submission:

PreventionGenetics, part of Exact Sciences
Classification: Likely benign for CLDN19-related condition. Last evaluated: 2019-07-15. Review status: no assertion criteria provided. Collection method: clinical testing. Allele origin: germline.
Comment: This variant is classified as likely benign based on ACMG/AMP sequence variant interpretation guidelines (Richards et al. 2015 PMID: 25741868, with internal and published modifications).

NM_148960.3(CLDN19):c.525C>T (p.Ala175=)

Gene: CLDN19 (claudin 19; minus strand). Cytogenetic location: 1p34.2.
Variant type: single nucleotide variant.
Coding change: c.525C>T on transcript NM_148960.3 (MANE Select); coding-DNA position 525, C replaced by T.
Protein change: p.Ala175=; no amino-acid change (alanine 175 retained).
Molecular consequence: synonymous variant. On other transcripts: missense variant (1).
Genome position (GRCh38, 1-based): chr1:42,735,979, G>A on the plus strand (C>T on the coding strand, the complement: CLDN19 is on the minus strand). VCF-style: chr1-42735979-G-A. GRCh37 (hg19) VCF-style: chr1-43201650-G-A.
Other names: c.525C>T, p.Ala175= (NM_001123395.2); c.440C>T, p.Pro147Leu (NM_001185117.2); short protein forms P147L.
Identifiers: ClinVar variation 3049736 (VCV003049736.2), dbSNP rs138355552, ClinGen allele CA801351.